The following is an entry in ClinVar:

ClinVar aggregate classification (germline): Uncertain significance (1 of 4 stars; one submission).

Conditions:
Immunodeficiency 51 (IMD51). Also called: CANDIDIASIS, FAMILIAL, 5. Identifiers: Orphanet 1334, MedGen C4310803, MONDO:0013500, OMIM 613953.

gnomAD v4.1: 4 of 1,604,476 alleles (0.00025%); highest among the groups gnomAD compares: South Asian, 0.0044%; no homozygotes.

Submission:

Labcorp Genetics (formerly Invitae), Labcorp
Classification: Uncertain significance for Immunodeficiency 51. Last evaluated: 2025-01-20. Review status: criteria provided, single submitter. Criteria: Invitae Variant Classification Sherloc (09022015). Collection method: clinical testing. Allele origin: germline.
Comment: This sequence change replaces alanine, which is neutral and non-polar, with serine, which is neutral and polar, at codon 463 of the IL17RA protein (p.Ala463Ser). This variant is present in population databases (rs757649231, gnomAD 0.003%). This variant has not been reported in the literature in individuals affected with IL17RA-related conditions. ClinVar contains an entry for this variant (Variation ID: 1508539). An algorithm developed to predict the effect of missense changes on protein structure and function (PolyPhen-2) suggests that this variant¬†is likely to be tolerated. In summary, the available evidence is currently insufficient to determine the role of this variant in disease. Therefore, it has been classified as a Variant of Uncertain Significance.

NM_014339.7(IL17RA):c.1387G>T (p.Ala463Ser)

Gene: IL17RA (interleukin 17 receptor A; plus strand). Cytogenetic location: 22q11.1.
Variant type: single nucleotide variant.
Coding change: c.1387G>T on transcript NM_014339.7 (MANE Select); coding-DNA position 1387, G replaced by T.
Protein change: p.Ala463Ser; replaces alanine 463 with serine.
Molecular consequence: missense variant.
Genome position (GRCh38, 1-based): chr22:17,108,606, G>T. VCF-style: chr22-17108606-G-T. GRCh37 (hg19) VCF-style: chr22-17589496-G-T.
Other names: c.1285G>T, p.Ala429Ser (NM_001289905.2); short protein forms A429S, A463S.
Identifiers: ClinVar variation 1508539 (VCV001508539.7), dbSNP rs757649231, ClinGen allele CA10086737.